The following is an entry in ClinVar:

NM_000136.3(FANCC):c.973G>A (p.Ala325Thr)

Genes: AOPEP (aminopeptidase O (putative); plus strand), FANCC (FA complementation group C; minus strand). Cytogenetic location: 9q22.32.
Variant type: single nucleotide variant.
Coding change: c.973G>A on transcript NM_000136.3 (MANE Select); coding-DNA position 973, G replaced by A.
Protein change: p.Ala325Thr; replaces alanine 325 with threonine.
Molecular consequence: missense variant.
Genome position (GRCh38, 1-based): chr9:95,125,109, C>T on the plus strand (G>A on the coding strand, the complement: FANCC is on the minus strand). VCF-style: chr9-95125109-C-T. GRCh37 (hg19) VCF-style: chr9-97887391-C-T.
Other names: p.A325T:GCT>ACT; c.973G>A, p.Ala325Thr (NM_001243743.2, NM_001243744.2); short protein forms A325T.
Identifiers: ClinVar variation 127550 (VCV000127550.33), dbSNP rs201407189, ClinGen allele CA287239.

ClinVar aggregate classification (germline): Benign/Likely benign. Review status: criteria provided, multiple submitters, no conflicts (2 of 4 stars). 12 submissions from 12 submitters: Benign (7); Likely benign (2). 3 of the submissions do not count toward it. Last evaluated 2026-02-02.

Conditions:
Hereditary cancer-predisposing syndrome. Also called: Tumor predisposition; Hereditary neoplastic syndrome; Neoplastic Syndromes, Hereditary; Hereditary Cancer Syndrome. Identifiers: Orphanet 140162, MedGen C0027672, MeSH D009386, MONDO:0015356.
Fanconi anemia complementation group C (FANCC). Also called: FANCC-Related Fanconi Anemia; FANCONI PANCYTOPENIA, TYPE 3; FACC; Fanconi anemia, group C. Identifiers: Orphanet 84, MedGen C3468041, MONDO:0009213, OMIM 227645.
Fanconi anemia (FA). Also called: Fanconi's anemia. Identifiers: Orphanet 84, MedGen C0015625, MeSH D005199, MONDO:0019391.
FANCC-related disorder. Also called: FANCC-related condition.

Allele frequency attached by ClinVar (database versions not stated): gnomAD 0.00028 and 0.00034; TOPMed 0.00054; ExAC 0.00080; 1000 Genomes Project 30x 0.00125; 1000 Genomes Project 0.00140.
gnomAD v4.1: 419 of 1,614,180 alleles (0.026%); highest among the groups gnomAD compares: East Asian, 0.77%; 3 homozygotes.

Submissions (12):

Labcorp Genetics (formerly Invitae), Labcorp
Classification: Benign for Fanconi anemia. Last evaluated: 2026-02-02. Review status: criteria provided, single submitter. Criteria: Invitae Variant Classification Sherloc (09022015). Collection method: clinical testing. Allele origin: germline.

Quest Diagnostics Nichols Institute San Juan Capistrano
Classification: Benign. Last evaluated: 2025-11-09. Review status: criteria provided, single submitter. Criteria: Quest Diagnostics criteria. Collection method: clinical testing. Allele origin: unknown.

Blueprint Genetics
Classification: Likely benign. Last evaluated: 2024-11-27. Review status: criteria provided, single submitter. Criteria: ACMG Guidelines, 2015. Collection method: clinical testing. Allele origin: germline.

KCCC/NGS Laboratory, Kuwait Cancer Control Center
Classification: Benign for Fanconi anemia complementation group C. Last evaluated: 2023-07-07. Review status: criteria provided, single submitter. Criteria: ACMG Guidelines, 2015. Collection method: clinical testing. Allele origin: germline. Affected: yes.

Sema4
Classification: Benign for Fanconi anemia. Last evaluated: 2021-11-15. Review status: criteria provided, single submitter. Criteria: Sema4 Curation Guidelines. Collection method: curation. Allele origin: germline.

Women's Health and Genetics/Laboratory Corporation of America, LabCorp
Classification: Benign. Last evaluated: 2019-12-23. Review status: criteria provided, single submitter. Criteria: LabCorp Variant Classification Summary - May 2015. Collection method: clinical testing. Allele origin: germline.
Comment: Variant summary: FANCC c.973G>A (p.Ala325Thr) results in a non-conservative amino acid change in the encoded protein sequence. Three of five in-silico tools predict a damaging effect of the variant on protein function. The variant allele was found at a frequency of 0.00076 in 251484 control chromosomes, predominantly at a frequency of 0.01 within the East Asian subpopulation in the gnomAD database, including 1 homozygote. The observed variant frequency within East Asian control individuals in the gnomAD database is approximately 5 fold of the estimated maximal expected allele frequency for a pathogenic variant in FANCC causing Fanconi Anemia Group C phenotype (0.0018), strongly suggesting that the variant is a benign polymorphism found primarily in populations of East Asian origin. In addition, a recent case-control association study involving breast and/or ovarian cancer patients and controls of Chinese ancestry (Pan_2019), found that the variant is not associated with a significant increase in breast/ovarian cancer risk. To our knowledge, no experimental evidence demonstrating an impact on protein function has been reported. Three clinical diagnostic laboratories have submitted clinical-significance assessments for this variant to ClinVar after 2014 without evidence for independent evaluation, and all of them classified the variant as benign (2x) / likely benign (1x). Based on the evidence outlined above, the variant was classified as benign.

GeneDx
Classification: Benign. Last evaluated: 2018-08-03. Review status: criteria provided, single submitter. Criteria: GeneDx Variant Classification Process June 2021. Collection method: clinical testing. Allele origin: germline. Affected: yes.
Comment: This variant is associated with the following publications: (PMID: 28863211, 28767289)

Illumina Laboratory Services, Illumina
Classification: Likely benign for Fanconi anemia complementation group C. Last evaluated: 2018-01-13. Review status: criteria provided, single submitter. Criteria: ICSL Variant Classification Criteria 13 December 2019. Collection method: clinical testing. Allele origin: germline.
Comment: This variant was observed in the ICSL laboratory as part of a predisposition screen in an ostensibly healthy population. It had not been previously curated by ICSL or reported in the Human Gene Mutation Database (HGMD: prior to June 1st, 2018), and was therefore a candidate for classification through an automated scoring system. Utilizing variant allele frequency, disease prevalence and penetrance estimates, and inheritance mode, an automated score was calculated to assess if this variant is too frequent to cause the disease. Based on the score and internal cut-off values, a variant classified as likely benign is not then subjected to further curation. The score for this variant resulted in a classification of likely benign for this disease.

Ambry Genetics
Classification: Benign for Hereditary cancer-predisposing syndrome. Last evaluated: 2016-09-07. Review status: criteria provided, single submitter. Criteria: Ambry Variant Classification Scheme 2023. Collection method: clinical testing. Allele origin: germline.

PreventionGenetics, part of Exact Sciences
Classification: Benign for FANCC-related condition. Last evaluated: 2019-07-31. Review status: no assertion criteria provided. Collection method: clinical testing. Allele origin: germline. Not counted in ClinVar's aggregate classification.
Comment: This variant is classified as benign based on ACMG/AMP sequence variant interpretation guidelines (Richards et al. 2015 PMID: 25741868, with internal and published modifications).

Natera, Inc.
Classification: Likely benign for Fanconi anemia. Last evaluated: 2017-05-16. Review status: no assertion criteria provided. Collection method: clinical testing. Allele origin: germline. Not counted in ClinVar's aggregate classification.

Department of Pathology and Laboratory Medicine, Sinai Health System
Classification: Uncertain significance. Review status: no assertion criteria provided. Collection method: clinical testing. Allele origin: unknown. Affected: yes. Observed: 4 variant alleles. Study: The Canadian Open Genetics Repository (COGR). Not counted in ClinVar's aggregate classification.
Comment: The FANCC p.Ala325Thr variant was not identified in the literature nor was it identified in the Cosmic, MutDB, or LOVD 3.0 databases. The variant was identified in dbSNP (ID: rs201407189) as â€šÃ„ÃºWith Likely benign alleleâ€šÃ„Ã¹, and in ClinVar (classified as benign by Invitae; classified as likely benign by GeneDx). The variant was identified in control databases in 200 (1 homozygous) of 277248 chromosomes at a frequency of 0.0007 increasing the likelihood that this may be a low frequency benign variant in certain populations of origin (Genome Aggregation Consortium Feb 27, 2017). The variant was identified in the East Asian population in 196 of 18870 chromosomes at a frequency greater than 1% (freq: 0.01). The p.Ala325 residue is conserved in mammals and computational analyses (PolyPhen-2, SIFT, AlignGVGD, BLOSUM, MutationTaster) provide inconsistent predictions regarding the impact to the protein; this information is not very predictive of pathogenicity. The variant occurs outside of the splicing consensus sequence and 1 of 5 in silico or computational prediction software programs (SpliceSiteFinder, MaxEntScan, NNSPLICE, GeneSplicer, HumanSpliceFinder) predict a greater than 10% difference in splicing; this is not very predictive of pathogenicity. In summary, based on the above information, the clinical significance of this variant cannot be determined with certainty at this time. This variant is classified as a variant of uncertain significance.

Literature cited by the submitters: PubMed 30967997 (cited by Quest Diagnostics Nichols Institute San Juan Capistrano and Women's Health and Genetics/Laboratory Corporation of America, LabCorp); PubMed 28767289 (cited by Quest Diagnostics Nichols Institute San Juan Capistrano and Women's Health and Genetics/Laboratory Corporation of America, LabCorp).